The following is an entry in ClinVar:

NM_004380.3(CREBBP):c.203AAC[1] (p.Gln69del)

Gene: CREBBP (CREB binding lysine acetyltransferase; minus strand). Cytogenetic location: 16p13.3.
Variant type: Microsatellite.
Coding change: c.203AAC[1] on transcript NM_004380.3 (MANE Select); one copy of the 3-base unit AAC starting at c.203; the reference has two copies in a row; one copy, 3 bases deleted.
Protein change: p.Gln69del; deletes glutamine 69.
Molecular consequence: inframe deletion.
Genome position (GRCh38, 1-based): chr16:3,850,887-3,850,889, GTT deleted on the plus strand (AAC on the coding strand, the reverse complement: CREBBP is on the minus strand); deleting any 3 consecutive bases within chr16:3,850,887-3,850,892 gives the same sequence; the position shown is the placement nearest the transcript's 3' end. VCF-style (leftmost placement, unchanged base first): chr16-3850886-AGTT-A. GRCh37 (hg19) VCF-style: chr16-3900887-AGTT-A.
Other names: c.203AAC[1], p.Gln69del (NM_001079846.1); short protein forms Q69del.
Identifiers: ClinVar variation 3257471 (VCV003257471.17).
Genomic context (GRCh38, chr16:3,850,886, plus strand): 5'-CTCACATTTCCTATTCCTGGGTTGATACTAGAGCCGCTGCCTCCTCGTAGAAGCTCCGAC[AGTT>A]GTTTATGTTTGGAAGCAGCATCTGGAACAAGGTTCCCACTGTTTAAAAGGCCTAATTCTC-3'

ClinVar aggregate classification (germline): Uncertain significance (1 of 4 stars; one submission).

Submission:

CeGaT Center for Human Genetics Tuebingen
Classification: Uncertain significance. Last evaluated: 2024-07-01. Review status: criteria provided, single submitter. Criteria: CeGaT Center For Human Genetics Tuebingen Variant Classification Criteria Version 2. Collection method: clinical testing. Allele origin: germline. Affected: yes. Observed: 1 variant allele.
Comment: CREBBP: PM2, PM4:Supporting